The following is an entry in ClinVar:

ClinVar aggregate classification (germline): Uncertain significance (1 of 4 stars; one submission).

Allele frequency attached by ClinVar (database versions not stated): gnomAD exomes below 0.00001; gnomAD 0.00002; TOPMed 0.00003.
gnomAD v4.1: 9 of 1,613,926 alleles (0.00056%); highest among the groups gnomAD compares: Middle Eastern, 0.016%; no homozygotes.

Submission:

Labcorp Genetics (formerly Invitae), Labcorp
Classification: Uncertain significance. Last evaluated: 2022-07-05. Review status: criteria provided, single submitter. Criteria: Invitae Variant Classification Sherloc (09022015). Collection method: clinical testing. Allele origin: germline.
Comment: This sequence change replaces proline, which is neutral and non-polar, with leucine, which is neutral and non-polar, at codon 573 of the COL4A4 protein (p.Pro573Leu). This variant is present in population databases (no rsID available, gnomAD 0.0009%). This variant has not been reported in the literature in individuals affected with COL4A4-related conditions. Advanced modeling of protein sequence and biophysical properties (such as structural, functional, and spatial information, amino acid conservation, physicochemical variation, residue mobility, and thermodynamic stability) performed at Invitae indicates that this missense variant is not expected to disrupt COL4A4 protein function. In summary, the available evidence is currently insufficient to determine the role of this variant in disease. Therefore, it has been classified as a Variant of Uncertain Significance.

NM_000092.5(COL4A4):c.1718C>T (p.Pro573Leu)

Gene: COL4A4 (collagen type IV alpha 4 chain; minus strand). Cytogenetic location: 2q36.3.
Variant type: single nucleotide variant.
Coding change: c.1718C>T on transcript NM_000092.5 (MANE Select); coding-DNA position 1718, C replaced by T.
Protein change: p.Pro573Leu; replaces proline 573 with leucine.
Molecular consequence: missense variant.
Genome position (GRCh38, 1-based): chr2:227,080,528, G>A on the plus strand (C>T on the coding strand, the complement: COL4A4 is on the minus strand). VCF-style: chr2-227080528-G-A. GRCh37 (hg19) VCF-style: chr2-227945244-G-A.
Other names: short protein forms P573L.
Identifiers: ClinVar variation 2420932 (VCV002420932.3), dbSNP rs1319812013, ClinGen allele CA350847285.